The following continues an entry in ClinVar:

NM_007294.4(BRCA1):c.3288_3289del (p.Leu1098fs)

ClinVar aggregate classification (germline): Pathogenic. Pathogenic (1).

Submissions 9 to 13 of 13:

Women's Health and Genetics/Laboratory Corporation of America, LabCorp
Classification: Pathogenic for Hereditary breast ovarian cancer syndrome. Last evaluated: 2016-09-15. Review status: criteria provided, single submitter. Criteria: LabCorp Variant Classification Summary - May 2015. Collection method: clinical testing. Allele origin: germline. Not counted in ClinVar's aggregate classification.
Comment: Variant summary: The BRCA1 c.3288_3289delAA (p.Leu1098Serfs) variant results in a premature termination codon, predicted to cause a truncated or absent BRCA1 protein due to nonsense mediated decay, which are commonly known mechanisms for disease. If a protein product is made, it is predicted to truncate the highly conserved BRCT domain. Truncations downstream of this position have been classified as pathogenic by our laboratory (e.g. c.3296delC/p.Pro1099fs). One in silico tool predicts a damaging outcome for this variant. This variant was absent in 121236 control chromosomes, but has been reported in multiple HBOC patients in the literature. In addition, multiple clinical diagnostic laboratories/reputable databases classified this variant as pathogenic. Taken together, this variant is classified as pathogenic.

Consortium of Investigators of Modifiers of BRCA1/2 (CIMBA), c/o University of Cambridge
Classification: Pathogenic for Breast-ovarian cancer, familial, susceptibility to, 1. Last evaluated: 2015-10-02. Review status: criteria provided, single submitter. Criteria: CIMBA Mutation Classification guidelines May 2016. Collection method: clinical testing. Allele origin: germline. Not counted in ClinVar's aggregate classification.

Molecular Oncology, Hospital Universitario Central de Asturias (HUCA)
Classification: Pathogenic for Breast-ovarian cancer, familial, susceptibility to, 1. Last evaluated: 2021-05-24. Review status: no assertion criteria provided. Collection method: case-control. Allele origin: germline. Affected: yes. Not counted in ClinVar's aggregate classification.

Research Molecular Genetics Laboratory, Women's College Hospital, University of Toronto
Classification: Pathogenic for Hereditary breast ovarian cancer syndrome. Last evaluated: 2014-01-31. Review status: no assertion criteria provided. Collection method: research. Allele origin: germline. Affected: yes. Study: The Canadian Open Genetics Repository (COGR). Not counted in ClinVar's aggregate classification.

Breast Cancer Information Core (BIC) (BRCA1)
Classification: Pathogenic for Breast-ovarian cancer, familial 1. Last evaluated: 2002-05-29. Review status: no assertion criteria provided. Collection method: clinical testing. Allele origin: germline, unknown. Affected: yes. Observed: 6 variant alleles. Not counted in ClinVar's aggregate classification.

Literature cited by the submitters: PubMed 20104584 (cited by Labcorp Genetics (formerly Invitae), Labcorp); PubMed 10866029 (cited by 4 submitters); PubMed 26187060 (cited by 3 submitters); PubMed 32318955 (cited by Quest Diagnostics Nichols Institute San Juan Capistrano and Ambry Genetics); PubMed 32211327 (cited by Quest Diagnostics Nichols Institute San Juan Capistrano); PubMed 28993434 (cited by Quest Diagnostics Nichols Institute San Juan Capistrano and Ambry Genetics); PubMed 33461583 (cited by Quest Diagnostics Nichols Institute San Juan Capistrano); PubMed 34284872 (cited by Quest Diagnostics Nichols Institute San Juan Capistrano); PubMed 36367610 (cited by Quest Diagnostics Nichols Institute San Juan Capistrano); PubMed 30972954 (cited by Quest Diagnostics Nichols Institute San Juan Capistrano and Ambry Genetics); PubMed 30287823 (cited by 3 submitters); PubMed 29446198 (cited by Quest Diagnostics Nichols Institute San Juan Capistrano and Ambry Genetics); PubMed 35464868 (cited by Quest Diagnostics Nichols Institute San Juan Capistrano); PubMed 38922859 (cited by Quest Diagnostics Nichols Institute San Juan Capistrano and Molecular Oncology, Hospital Universitario Central de Asturias (HUCA)); PubMed 21324516 (cited by 3 submitters); PubMed 15063971 (cited by Color Diagnostics, LLC DBA Color Health and Women's Health and Genetics/Laboratory Corporation of America, LabCorp); PubMed 16267036 (cited by Women's Health and Genetics/Laboratory Corporation of America, LabCorp); PubMed 24578176 (cited by Women's Health and Genetics/Laboratory Corporation of America, LabCorp).